The following is an entry in ClinVar:

ClinVar aggregate classification (germline): Benign/Likely benign. Review status: criteria provided, multiple submitters, no conflicts (2 of 4 stars). 6 submissions from 6 submitters: Benign (1); Likely benign (5). Last evaluated 2025-03-12.

Conditions:
Hereditary nonpolyposis colorectal neoplasms. Identifiers: MedGen C0009405, MeSH D003123.
Hereditary cancer-predisposing syndrome. Also called: Hereditary Cancer Syndrome; Hereditary neoplastic syndrome; Neoplastic Syndromes, Hereditary; Tumor predisposition. Identifiers: Orphanet 140162, MedGen C0027672, MeSH D009386, MONDO:0015356.
Lynch syndrome 4 (LYNCH4). Also called: Colorectal cancer, hereditary nonpolyposis, type 4; Hereditary non-polyposis colorectal cancer, type 4. Identifiers: Orphanet 144, MedGen C1838333, MONDO:0013699, OMIM 614337. Disease mechanism: loss of function.

Submissions (6):

Labcorp Genetics (formerly Invitae), Labcorp
Classification: Likely benign for Hereditary nonpolyposis colorectal neoplasms. Last evaluated: 2025-03-12. Review status: criteria provided, single submitter. Criteria: Invitae Variant Classification Sherloc (09022015). Collection method: clinical testing. Allele origin: germline.

Myriad Genetics, Inc.
Classification: Benign for Lynch syndrome 4. Last evaluated: 2025-01-30. Review status: criteria provided, single submitter. Criteria: Myriad Autosomal Dominant, Autosomal Recessive and X-Linked Classification Criteria (2023). Collection method: clinical testing. Allele origin: unknown.
Comment: This variant is considered benign. This variant is a silent/synonymous amino acid change and it is not expected to impact splicing.

Quest Diagnostics Nichols Institute San Juan Capistrano
Classification: Likely benign. Last evaluated: 2020-05-18. Review status: criteria provided, single submitter. Criteria: Quest Diagnostics criteria. Collection method: clinical testing. Allele origin: unknown.

Color Diagnostics, LLC DBA Color Health
Classification: Likely benign for Hereditary cancer-predisposing syndrome. Last evaluated: 2016-11-15. Review status: criteria provided, single submitter. Criteria: ACMG Guidelines, 2015. Collection method: clinical testing. Allele origin: germline.

Ambry Genetics
Classification: Likely benign for Hereditary cancer-predisposing syndrome. Last evaluated: 2016-06-15. Review status: criteria provided, single submitter. Criteria: Ambry Variant Classification Scheme 2023. Collection method: clinical testing. Allele origin: germline.

GeneDx
Classification: Likely benign. Last evaluated: 2016-04-26. Review status: criteria provided, single submitter. Criteria: GeneDx Variant Classification (06012015). Collection method: clinical testing. Allele origin: germline. Affected: yes.
Comment: This variant is considered likely benign or benign based on one or more of the following criteria: it is a conservative change, it occurs at a poorly conserved position in the protein, it is predicted to be benign by multiple in silico algorithms, and/or has population frequency not consistent with disease.

NM_000535.7(PMS2):c.1203T>C (p.Asp401=)

Gene: PMS2 (PMS1 homolog 2, mismatch repair system component; minus strand). Cytogenetic location: 7p22.1.
Variant type: single nucleotide variant.
Coding change: c.1203T>C on transcript NM_000535.7 (MANE Select); coding-DNA position 1203, T replaced by C.
Protein change: p.Asp401=; no amino-acid change (aspartic acid 401 retained).
Molecular consequence: synonymous variant. On other transcripts: non-coding transcript variant (1).
Genome position (GRCh38, 1-based): chr7:5,987,562, A>G on the plus strand (T>C on the coding strand, the complement: PMS2 is on the minus strand). VCF-style: chr7-5987562-A-G. GRCh37 (hg19) VCF-style: chr7-6027193-A-G.
Other names: c.270T>C, p.Asp90= (NM_001322012.2, NM_001322011.2); c.630T>C, p.Asp210= (NM_001322013.2); c.1203T>C, p.Asp401= (NM_001322014.2); c.894T>C, p.Asp298= (NM_001322015.2); c.798T>C, p.Asp266= (NM_001322003.2, NM_001322004.2, NM_001322005.2 and 1 more transcripts); c.1047T>C, p.Asp349= (NM_001322006.2); c.885T>C, p.Asp295= (NM_001322007.2, NM_001322008.2); c.642T>C, p.Asp214= (NM_001322010.2).
Identifiers: ClinVar variation 385776 (VCV000385776.19), dbSNP rs1057522327, ClinGen allele CA16605246.